The following is an entry in ClinVar:

NM_001017420.3(ESCO2):c.177G>A (p.Ala59=)

Gene: ESCO2 (establishment of sister chromatid cohesion N-acetyltransferase 2; plus strand). Cytogenetic location: 8p21.1.
Variant type: single nucleotide variant.
Coding change: c.177G>A on transcript NM_001017420.3 (MANE Select); coding-DNA position 177, G replaced by A.
Protein change: p.Ala59=; no amino-acid change (alanine 59 retained).
Molecular consequence: synonymous variant.
Genome position (GRCh38, 1-based): chr8:27,776,485, G>A. VCF-style: chr8-27776485-G-A. GRCh37 (hg19) VCF-style: chr8-27634002-G-A.
Other names: c.177G>A (NM_001017420.2).
Identifiers: ClinVar variation 1097763 (VCV001097763.9), dbSNP rs199811077, ClinGen allele CA4692011.
Genomic context (GRCh38, chr8:27,776,485, plus strand): 5'-CAGTGATAAAAATGAAGAAAACCTGCATTGCTCTCAACAAGAGCATTTTGTTTTAAGTGC[G>A]CTCAAAACAACTGAAATAAATAGACTGCCATCAGCAAATCAAGGCTCACCATTTAAATCT-3'
Protein context (NP_001017420.1, residues 49-69): CSQQEHFVLS[Ala59=]LKTTEINRLP

ClinVar aggregate classification (germline): Likely benign. Review status: criteria provided, multiple submitters, no conflicts (2 of 4 stars). 3 submissions from 3 submitters: Likely benign (3). Last evaluated 2026-07-21.

Conditions:
ESCO2-related disorder. Also called: ESCO2-related condition.

Allele frequency attached by ClinVar (database versions not stated): gnomAD 0.00001 and 0.00003; ExAC 0.00002; gnomAD exomes 0.00002; 1000 Genomes Project 0.00020; 1000 Genomes Project 30x 0.00031.
gnomAD v4.1: 21 of 1,613,024 alleles (0.0013%); highest among the groups gnomAD compares: Middle Eastern, 0.017%; no homozygotes.

Submissions (3):

PreventionGenetics, part of Exact Sciences
Classification: Likely benign for ESCO2-related condition. Last evaluated: 2026-07-21. Review status: criteria provided, single submitter. Criteria: ACMG Guidelines, 2015. Collection method: clinical testing. Allele origin: germline.
Comment: This variant is classified as likely benign based on ACMG/AMP sequence variant interpretation guidelines (Richards et al. 2015 PMID: 25741868, with internal and published modifications).

Labcorp Genetics (formerly Invitae), Labcorp
Classification: Likely benign. Last evaluated: 2025-08-22. Review status: criteria provided, single submitter. Criteria: Invitae Variant Classification Sherloc (09022015). Collection method: clinical testing. Allele origin: germline.

Blueprint Genetics
Classification: Likely benign. Last evaluated: 2024-11-07. Review status: criteria provided, single submitter. Criteria: ACMG Guidelines, 2015. Collection method: clinical testing. Allele origin: germline.